The following is an entry in ClinVar:

NM_000090.4(COL3A1):c.2802G>A (p.Ser934=)

Gene: COL3A1 (collagen type III alpha 1 chain; plus strand). Cytogenetic location: 2q32.2.
Variant type: single nucleotide variant.
Coding change: c.2802G>A on transcript NM_000090.4 (MANE Select); coding-DNA position 2802, G replaced by A.
Protein change: p.Ser934=; no amino-acid change (serine 934 retained).
Molecular consequence: synonymous variant.
Genome position (GRCh38, 1-based): chr2:189,004,122, G>A. VCF-style: chr2-189004122-G-A. GRCh37 (hg19) VCF-style: chr2-189868848-G-A.
Identifiers: ClinVar variation 263809 (VCV000263809.21), dbSNP rs113870310, ClinGen allele CA075594.

ClinVar aggregate classification (germline): Likely benign. Review status: criteria provided, multiple submitters, no conflicts (2 of 4 stars). 7 submissions from 7 submitters: Likely benign (7). Last evaluated 2025-05-11.

Conditions:
Familial thoracic aortic aneurysm and aortic dissection (TAAD). Also called: Thoracic aortic aneurysms and dissections. Identifiers: Orphanet 91387, MedGen C4707243, MONDO:0019625.
Ehlers-Danlos syndrome, type 4 (EDSVASC). Also called: Ehlers-Danlos syndrome vascular type; Ehlers Danlos syndrome, ecchymotic type; Ehlers Danlos syndrome, arterial type; Ehlers Danlos syndrome, Sack-Barabas type; Ehlers-Danlos Syndrome Type IV. Identifiers: Orphanet 286, MedGen C0268338, MONDO:0017314, OMIM 130050.

Allele frequency attached by ClinVar (database versions not stated): ExAC 0.00002; gnomAD exomes 0.00002; gnomAD 0.00004 and 0.00005; TOPMed 0.00004; 1000 Genomes Project 30x 0.00031; 1000 Genomes Project 0.00040.
gnomAD v4.1: 73 of 1,613,928 alleles (0.0045%); highest among the groups gnomAD compares: Middle Eastern, 0.017%; 1 homozygote.

Submissions (7):

Labcorp Genetics (formerly Invitae), Labcorp
Classification: Likely benign for Ehlers-Danlos syndrome, type 4. Last evaluated: 2025-05-11. Review status: criteria provided, single submitter. Criteria: Invitae Variant Classification Sherloc (09022015). Collection method: clinical testing. Allele origin: germline.

Blueprint Genetics
Classification: Likely benign. Last evaluated: 2024-04-25. Review status: criteria provided, single submitter. Criteria: ACMG Guidelines, 2015. Collection method: clinical testing. Allele origin: germline.

All of Us Research Program, National Institutes of Health
Classification: Likely benign for Ehlers-Danlos syndrome, type 4. Last evaluated: 2024-01-11. Review status: criteria provided, single submitter. Criteria: ACMG Guidelines, 2015. Collection method: clinical testing. Allele origin: germline. Inheritance: Autosomal dominant inheritance. Observed: 9 variant alleles, 9 heterozygotes.
Comment: This study involves interpretation of variants in research participants for the purpose of population health screening. Participant phenotype was not available at the time of variant classification. Additional details can be found in publication PMID: 35346344, PMCID: PMC8962531

CHEO Genetics Diagnostic Laboratory, Children's Hospital of Eastern Ontario
Classification: Likely benign for Familial thoracic aortic aneurysm and aortic dissection. Last evaluated: 2021-09-15. Review status: criteria provided, single submitter. Criteria: ACMG Guidelines, 2015. Collection method: clinical testing. Allele origin: germline.

Ambry Genetics
Classification: Likely benign for Familial thoracic aortic aneurysm and aortic dissection. Last evaluated: 2020-08-26. Review status: criteria provided, single submitter. Criteria: Ambry Variant Classification Scheme 2023. Collection method: clinical testing. Allele origin: germline.

Color Diagnostics, LLC DBA Color Health
Classification: Likely benign for Familial thoracic aortic aneurysm and aortic dissection. Last evaluated: 2019-01-11. Review status: criteria provided, single submitter. Criteria: ACMG Guidelines, 2015. Collection method: clinical testing. Allele origin: germline.

GeneDx
Classification: Likely benign. Last evaluated: 2018-02-19. Review status: criteria provided, single submitter. Criteria: GeneDx Variant Classification (06012015). Collection method: clinical testing. Allele origin: germline. Affected: yes.
Comment: This variant is considered likely benign or benign based on one or more of the following criteria: it is a conservative change, it occurs at a poorly conserved position in the protein, it is predicted to be benign by multiple in silico algorithms, and/or has population frequency not consistent with disease.